The following is an entry in ClinVar:

ClinVar aggregate classification (germline): Likely benign. Review status: criteria provided, multiple submitters, no conflicts (2 of 4 stars). 2 submissions from 2 submitters: Likely benign (2). Last evaluated 2026-01-19.

Conditions:
Spastic paraplegia. Identifiers: MedGen C0037772, HP:0001258.

Allele frequency attached by ClinVar (database versions not stated): gnomAD exomes below 0.00001; TOPMed 0.00001; ExAC 0.00002; gnomAD 0.00002; 1000 Genomes Project 30x 0.00021; 1000 Genomes Project 0.00026.
gnomAD v4.1: 5 of 1,209,973 alleles (0.00041%); highest among the groups gnomAD compares: Admixed American, 0.0066%; no homozygotes.

Submissions (2):

Labcorp Genetics (formerly Invitae), Labcorp
Classification: Likely benign for Spastic paraplegia. Last evaluated: 2026-01-19. Review status: criteria provided, single submitter. Criteria: Invitae Variant Classification Sherloc (09022015). Collection method: clinical testing. Allele origin: germline.

CeGaT Center for Human Genetics Tuebingen
Classification: Likely benign. Last evaluated: 2022-03-01. Review status: criteria provided, single submitter. Criteria: CeGaT Center For Human Genetics Tuebingen Variant Classification Criteria Version 2. Collection method: clinical testing. Allele origin: germline. Affected: yes. Observed: 1 variant allele.
Comment: KDM5C: BP4, BP7

NM_004187.5(KDM5C):c.1353C>T (p.Ser451=)

Gene: KDM5C (lysine demethylase 5C; minus strand). Cytogenetic location: Xp11.22.
Variant type: single nucleotide variant.
Coding change: c.1353C>T on transcript NM_004187.5 (MANE Select); coding-DNA position 1353, C replaced by T.
Protein change: p.Ser451=; no amino-acid change (serine 451 retained).
Molecular consequence: synonymous variant. On other transcripts: non-coding transcript variant (3).
Genome position (GRCh38, 1-based): chrX:53,211,545, G>A on the plus strand (C>T on the coding strand, the complement: KDM5C is on the minus strand). VCF-style: chrX-53211545-G-A. GRCh37 (hg19) VCF-style: chrX-53240727-G-A.
Other names: c.1353C>T, p.Ser451= (NM_001353984.2, NM_001353978.3, NM_001353981.2); c.1152C>T, p.Ser384= (NM_001146702.2); c.1350C>T, p.Ser450= (NM_001282622.3, NM_001353979.2, NM_001353982.2).
Identifiers: ClinVar variation 2660596 (VCV002660596.25), dbSNP rs199422237, ClinGen allele CA10419544.
Genomic context (GRCh38, chrX:53,211,545, plus strand): 5'-TCATCCACTCACCTCCTCTTCGGGGGTTAGGTGCCGTTTACTGTCACTGACAGGGAAACC[G>A]CTGCCAAATTCTTTGGAATGGATGTCAGCTCCATACTCAACAGTCACATCTTCCTCAATG-3'
Protein context (NP_004178.2, residues 441-461): GADIHSKEFG[Ser451=]GFPVSDSKRH